The following is an entry in ClinVar:

NM_177924.5(ASAH1):c.377C>G (p.Pro126Arg)

Gene: ASAH1 (N-acylsphingosine amidohydrolase 1; minus strand). Cytogenetic location: 8p22.
Variant type: single nucleotide variant.
Coding change: c.377C>G on transcript NM_177924.5 (MANE Select); coding-DNA position 377, C replaced by G.
Protein change: p.Pro126Arg; replaces proline 126 with arginine.
Molecular consequence: missense variant.
Genome position (GRCh38, 1-based): chr8:18,067,225, G>C on the plus strand (C>G on the coding strand, the complement: ASAH1 is on the minus strand). VCF-style: chr8-18067225-G-C. GRCh37 (hg19) VCF-style: chr8-17924734-G-C.
Other names: c.359C>G, p.Pro120Arg (NM_001127505.3); c.182C>G, p.Pro61Arg (NM_001363743.2); c.425C>G, p.Pro142Arg (NM_004315.6); short protein forms P120R, P61R, P126R, P142R.
Identifiers: ClinVar variation 1372680 (VCV001372680.6), dbSNP rs2117047082, ClinGen allele CA370432662.
Genomic context (GRCh38, chr8:18,067,225, plus strand): 5'-AACTTGTAAAAGAATTTAATTACTTTTTTTTTTAAAGCTTCTAAGTGAACTTTACCTAAA[G>C]GTATATCAGTAACAGCGGCAATACCCTTCATTTCCTCTTCAAAAGGGCCAGGAAAGTTGC-3'
Protein context (NP_808592.2, residues 116-136): MKGIAAVTDI[Pro126Arg]LGEIISFNIF

ClinVar aggregate classification (germline): Uncertain significance (1 of 4 stars; one submission).

gnomAD v4.1: 1 of 1,590,666 alleles (0.000063%); no homozygotes.

Submission:

Labcorp Genetics (formerly Invitae), Labcorp
Classification: Uncertain significance. Last evaluated: 2021-08-05. Review status: criteria provided, single submitter. Criteria: Invitae Variant Classification Sherloc (09022015). Collection method: clinical testing. Allele origin: germline.
Comment: This sequence change replaces proline with arginine at codon 126 of the ASAH1 protein (p.Pro126Arg). The proline residue is highly conserved and there is a moderate physicochemical difference between proline and arginine. This variant is not present in population databases (ExAC no frequency). This variant has not been reported in the literature in individuals affected with ASAH1-related conditions. Algorithms developed to predict the effect of missense changes on protein structure and function (SIFT, PolyPhen-2, Align-GVGD) all suggest that this variant is likely to be disruptive. In summary, the available evidence is currently insufficient to determine the role of this variant in disease. Therefore, it has been classified as a Variant of Uncertain Significance.